The following is an entry in ClinVar:

ClinVar aggregate classification (germline): Conflicting classifications of pathogenicity. Review status: criteria provided, conflicting classifications (1 of 4 stars). 14 submissions from 14 submitters: Uncertain significance (8); Benign (1); Likely benign (3). 2 of the submissions do not count toward it. Last evaluated 2026-06-01.

Conditions:
BRCA2-related disorder. Also called: BRCA2-related condition; BRCA2-related disorders. Identifiers: MedGen CN239275.
Hereditary cancer-predisposing syndrome. Also called: Hereditary neoplastic syndrome; Tumor predisposition; Hereditary Cancer Syndrome; Neoplastic Syndromes, Hereditary. Identifiers: Orphanet 140162, MedGen C0027672, MeSH D009386, MONDO:0015356.
Hereditary breast ovarian cancer syndrome. Also called: Breast and ovarian cancer; Hereditary breast and/or ovarian cancer syndrome; BRCA1- and BRCA2-Associated Hereditary Breast and Ovarian Cancer; Hereditary breast and ovarian cancer syndrome; Hereditary breast and ovarian cancer; Hereditary breast and ovarian cancer syndrome (HBOC). Identifiers: Orphanet 145, MedGen C0677776, MeSH D061325, MONDO:0003582. Disease mechanism: loss of function.
Breast-ovarian cancer, familial, susceptibility to, 2 (BROVCA2). Also called: BRCA2 Hereditary Breast and Ovarian Cancer. Identifiers: Orphanet 145, MedGen C2675520, MONDO:0012933, OMIM 612555. Disease mechanism: loss of function.

Allele frequency attached by ClinVar (database versions not stated): gnomAD 0.00001; TOPMed 0.00002.
gnomAD v4.1: 64 of 1,591,946 alleles (0.004%); highest among the groups gnomAD compares: Non-Finnish European, 0.0053%; no homozygotes.

Submissions 1 to 8 of 14:

PreventionGenetics, part of Exact Sciences
Classification: Uncertain significance for BRCA2-related condition. Last evaluated: 2026-06-01. Review status: criteria provided, single submitter. Criteria: ACMG Guidelines, 2015. Collection method: clinical testing. Allele origin: germline.
Comment: The BRCA2 c.971G>C variant is predicted to result in the amino acid substitution p.Arg324Thr. This variant was reported in an individual with a family history of breast cancer (Meindl et al. 2002. PubMed ID: 11802209) and in an individual with family history of pancreatic cancer who had an additional variant of uncertain significance in BRCA1 (p. Ala5Val, Murali et al. 2021. PubMed ID: 34399810). Functional studies show mixed effects of this variant on protein function (Ikegami et al. 2020. PubMed ID: 32444794; Pouliot et al. 2019. PubMed ID: 31721781). This variant is reported in 0.0046% of alleles in individuals of European (Non-Finnish) descent in gnomAD. This variant has conflicting classifications in ClinVar, ranging from uncertain significance to benign (Variation ID: 38261). At this time, the clinical significance of this variant is uncertain due to the absence of conclusive functional and genetic evidence.

German Consortium for Hereditary Breast and Ovarian Cancer, University Hospital Cologne
Classification: Benign for Hereditary breast ovarian cancer syndrome. Last evaluated: 2026-03-13. Review status: criteria provided, single submitter. Criteria: ClinGen BRCA2 1.2.0. Collection method: curation. Allele origin: germline.
Comment: This classification follows the ClinGen ENIGMA BRCA2 v1.2.0 classification scheme; We chose these criteria: BP1 (strong benign): outside a (potentially) clinically important functional domain AND no splicing predicted (SpliceAI ≤0.1), BS3 (strong benign): Reported by one calibrated study to exhibit protein function similar to benign control variants (PMID:32444794) (BS3 met).

Labcorp Genetics (formerly Invitae), Labcorp
Classification: Uncertain significance for Hereditary breast ovarian cancer syndrome. Last evaluated: 2025-08-29. Review status: criteria provided, single submitter. Criteria: Invitae Variant Classification Sherloc (09022015). Collection method: clinical testing. Allele origin: germline.
Comment: This sequence change replaces arginine, which is basic and polar, with threonine, which is neutral and polar, at codon 324 of the BRCA2 protein (p.Arg324Thr). This variant is present in population databases (rs397507435, gnomAD 0.005%). This missense change has been observed in individual(s) with breast cancer and/or family history of pancreatic cancer (PMID: 11802209, 34399810). ClinVar contains an entry for this variant (Variation ID: 38261). Invitae Evidence Modeling of protein sequence and biophysical properties (such as structural, functional, and spatial information, amino acid conservation, physicochemical variation, residue mobility, and thermodynamic stability) indicates that this missense variant is not expected to disrupt BRCA2 protein function with a negative predictive value of 95%. Experimental studies have shown that this missense change does not substantially affect BRCA2 function (PMID: 31721781, 32444794). In summary, the available evidence is currently insufficient to determine the role of this variant in disease. Therefore, it has been classified as a Variant of Uncertain Significance.

Ambry Genetics
Classification: Uncertain significance for Hereditary cancer-predisposing syndrome. Last evaluated: 2025-07-01. Review status: criteria provided, single submitter. Criteria: Ambry Variant Classification Scheme 2023. Collection method: clinical testing. Allele origin: germline.
Comment: The p.R324T variant (also known as c.971G>C), located in coding exon 9 of the BRCA2 gene, results from a G to C substitution at nucleotide position 971. The arginine at codon 324 is replaced by threonine, an amino acid with similar properties. This variant was reported in a large hereditary breast and ovarian cancer family in which the proband was compound heterozygous for biallelic pathogenic mutations in BRCA1 (Domchek SM et al. Cancer Discov 2013; 3:399-405). This alteration was also detected in 1/989 unrelated individuals from a cohort of German breast/ovarian cancer families (Meindl A et al. Int. J. Cancer, 2002 Feb;97:472-80). This alteration was also identified in an individual with a family history of pancreatic cancer (Murali K et al. Hered Cancer Clin Pract, 2021 Aug;19:33). This amino acid position is poorly conserved on species alignment. In addition, this alteration is predicted to be tolerated by in silico analysis. Since supporting evidence is limited at this time, the clinical significance of this alteration remains unclear.

Center for Genomic Medicine, Rigshospitalet, Copenhagen University Hospital
Classification: Likely benign. Last evaluated: 2025-03-04. Review status: criteria provided, single submitter. Criteria: ACMG Guidelines, 2015. Collection method: clinical testing. Allele origin: germline.

Color Diagnostics, LLC DBA Color Health
Classification: Uncertain significance for Hereditary cancer-predisposing syndrome. Last evaluated: 2024-08-20. Review status: criteria provided, single submitter. Criteria: ACMG Guidelines, 2015. Collection method: clinical testing. Allele origin: germline.
Comment: This missense variant replaces arginine with threonine at codon 324 of the BRCA2 protein. Computational prediction suggests that this variant may not impact protein structure and function. A functional study has reported that this variant does not impact BRCA2 function in PARP inhibitors and carboplatin sensitivity assays (PMID: 32444794). This variant has been reported in individuals affected with breast cancer, ovarian cancer, and T-ALL (PMID: 11802209, 23269703, 31721781), the individual affected with ovarian cancer was also found to carry a pathogenic BRCA1 variant, which could explain the observed phenotype (PMID: 23269703). This variant has been detected in a breast cancer case-control meta-analysis in 2/60466 cases and 3/53461 unaffected individuals (PMID: 33471991; Leiden Open Variation Database DB-ID BRCA2_002337). A multifactorial analysis has reported a likelihood ratio for pathogenicity based on personal and family history of 0.493 from log(LR)=-0.306931227 (PMID: 31853058). This variant has been identified in 5/232690 chromosomes in the general population by the Genome Aggregation Database (gnomAD). The available evidence is insufficient to determine the role of this variant in disease conclusively. Therefore, this variant is classified as a Variant of Uncertain Significance.

Department of Clinical Genetics, Copenhagen University Hospital, Rigshospitalet
Classification: Likely benign for Breast-ovarian cancer, familial, susceptibility to, 2. Last evaluated: 2024-07-11. Review status: criteria provided, single submitter. Criteria: ACMG Guidelines, 2015. Collection method: clinical testing. Allele origin: germline.
Comment: The following ACMG criteria is used: BP1_Strong

All of Us Research Program, National Institutes of Health
Classification: Uncertain significance for Breast-ovarian cancer, familial, susceptibility to, 2. Last evaluated: 2023-12-13. Review status: criteria provided, single submitter. Criteria: ACMG Guidelines, 2015. Collection method: clinical testing. Allele origin: germline. Inheritance: Autosomal dominant inheritance. Observed: 3 variant alleles, 3 heterozygotes.
Comment: This missense variant replaces arginine with threonine at codon 324 of the BRCA2 protein. Computational prediction suggests that this variant may not impact protein structure and function (internally defined REVEL score threshold <= 0.5, PMID: 27666373). Experimental functional studies have reported conflicting results for this variant. In one study, the variant was shown to result in increased radial chromosome formation, percentage of cells in G2/M, a partial rescue of cell viability following DNA damage treatment (PMID: 31721781). However, another study reported no sensitivity to PARP inhibitors or carboplatin in cell viability assays (PMID: 32444794). This variant has been reported in individuals affected with breast cancer, ovarian cancer, and T-ALL (PMID: 11802209, 23269703, 31721781), the individual affected with ovarian cancer was also found to carry a pathogenic BRCA1 variant, which could explain the observed phenotype (PMID: 23269703). In a large breast cancer case-control meta analysis conducted by the BRIDGES consortium, this variant was reported in 2/60466 cases and 3/53461 unaffected controls (PMID: 33471991; Leiden Open Variation Database DB-ID BRCA2_002337). This variant has been identified in 5/232690 chromosomes in the general population by the Genome Aggregation Database (gnomAD). The available evidence is insufficient to determine the role of this variant in disease conclusively. Therefore, this variant is classified as a Variant of Uncertain Significance.

This study involves interpretation of variants in research participants for the purpose of population health screening. Participant phenotype was not available at the time of variant classification. Additional details can be found in publication PMID: 35346344, PMCID: PMC8962531

NM_000059.4(BRCA2):c.971G>C (p.Arg324Thr)

Gene: BRCA2 (BRCA2 DNA repair associated; plus strand). Cytogenetic location: 13q13.1.
Variant type: single nucleotide variant.
Coding change: c.971G>C on transcript NM_000059.4 (MANE Select); coding-DNA position 971, G replaced by C.
Protein change: p.Arg324Thr; replaces arginine 324 with threonine.
Molecular consequence: missense variant.
Genome position (GRCh38, 1-based): chr13:32,332,449, G>C. VCF-style: chr13-32332449-G-C. GRCh37 (hg19) VCF-style: chr13-32906586-G-C.
Other names: 1199G>C; short protein forms R324T.
Identifiers: ClinVar variation 38261 (VCV000038261.38), dbSNP rs397507435, ClinGen allele CA026281.